The following is an entry in ClinVar:

NM_019066.5(MAGEL2):c.523C>T (p.Pro175Ser)

Gene: MAGEL2 (MAGE family member L2; minus strand). Cytogenetic location: 15q11.2.
Variant type: single nucleotide variant.
Coding change: c.523C>T on transcript NM_019066.5 (MANE Select); coding-DNA position 523, C replaced by T.
Protein change: p.Pro175Ser; replaces proline 175 with serine.
Molecular consequence: missense variant.
Genome position (GRCh38, 1-based): chr15:23,647,220, G>A on the plus strand (C>T on the coding strand, the complement: MAGEL2 is on the minus strand). VCF-style: chr15-23647220-G-A. GRCh37 (hg19) VCF-style: chr15-23892367-G-A.
Other names: short protein forms P175S.
Identifiers: ClinVar variation 3616650 (VCV003616650.2).
Genomic context (GRCh38, chr15:23,647,220, plus strand): 5'-GAGGGGGAGGATGAGCCATCGGGGTCCCCGGAGGAGGAGGATGCACCATCGGGGTCCCCG[G>A]AGGAGGAGGATGGGCCATCGGGGTCCCCGGAGGAGGAGGATGGGCCATTGGGGTCCCCGG-3'
Protein context (NP_061939.3, residues 165-185): PGTPMAHPPP[Pro175Ser]GTPMVHPPPP

ClinVar aggregate classification (germline): Uncertain significance (1 of 4 stars; one submission).

gnomAD v4.1: 9 of 1,522,870 alleles (0.00059%); highest among the groups gnomAD compares: Non-Finnish European, 0.00079%; no homozygotes.

Submission:

Labcorp Genetics (formerly Invitae), Labcorp
Classification: Uncertain significance. Last evaluated: 2024-03-17. Review status: criteria provided, single submitter. Criteria: Invitae Variant Classification Sherloc (09022015). Collection method: clinical testing. Allele origin: germline.
Comment: This sequence change replaces proline, which is neutral and non-polar, with serine, which is neutral and polar, at codon 175 of the MAGEL2 protein (p.Pro175Ser). This variant is present in population databases (no rsID available, gnomAD 0.004%). This variant has not been reported in the literature in individuals affected with MAGEL2-related conditions. Experimental studies and prediction algorithms are not available or were not evaluated, and the functional significance of this variant is currently unknown. In summary, the available evidence is currently insufficient to determine the role of this variant in disease. Therefore, it has been classified as a Variant of Uncertain Significance.